The following is an entry in ClinVar:

ClinVar aggregate classification (germline): Likely benign. Review status: criteria provided, multiple submitters, no conflicts (2 of 4 stars). 4 submissions from 4 submitters: Likely benign (3). 1 of the submissions does not count toward it. Last evaluated 2026-01-15.

Conditions:
HMCN1-related disorder. Also called: HMCN1-related condition.
Age related macular degeneration 1 (ARMD1). Also called: MACULOPATHY, AGE-RELATED, 1. Identifiers: MedGen C1864205, MONDO:0011285, OMIM 603075.

Allele frequency attached by ClinVar (database versions not stated): gnomAD exomes 0.00026; ExAC 0.00030; 1000 Genomes Project 0.00060; 1000 Genomes Project 30x 0.00062; ESP Exome Variant Server 0.00077; gnomAD 0.00096 and 0.00113; TOPMed 0.00124.

Submissions (4):

Labcorp Genetics (formerly Invitae), Labcorp
Classification: Likely benign. Last evaluated: 2026-01-15. Review status: criteria provided, single submitter. Criteria: Invitae Variant Classification Sherloc (09022015). Collection method: clinical testing. Allele origin: germline.

Genome-Nilou Lab
Classification: Likely benign for Age related macular degeneration 1. Last evaluated: 2023-04-11. Review status: criteria provided, single submitter. Criteria: ACMG Guidelines, 2015. Collection method: clinical testing. Allele origin: germline. Affected: no.

Illumina Laboratory Services, Illumina
Classification: Likely benign for Age related macular degeneration 1. Last evaluated: 2018-01-12. Review status: criteria provided, single submitter. Criteria: ICSL Variant Classification Criteria 13 December 2019. Collection method: clinical testing. Allele origin: germline.
Comment: This variant was observed in the ICSL laboratory as part of a predisposition screen in an ostensibly healthy population. It had not been previously curated by ICSL or reported in the Human Gene Mutation Database (HGMD: prior to June 1st, 2018), and was therefore a candidate for classification through an automated scoring system. Utilizing variant allele frequency, disease prevalence and penetrance estimates, and inheritance mode, an automated score was calculated to assess if this variant is too frequent to cause the disease. Based on the score and internal cut-off values, a variant classified as likely benign is not then subjected to further curation. The score for this variant resulted in a classification of likely benign for this disease.

PreventionGenetics, part of Exact Sciences
Classification: Likely benign for HMCN1-related condition. Last evaluated: 2019-09-23. Review status: no assertion criteria provided. Collection method: clinical testing. Allele origin: germline. Not counted in ClinVar's aggregate classification.
Comment: This variant is classified as likely benign based on ACMG/AMP sequence variant interpretation guidelines (Richards et al. 2015 PMID: 25741868, with internal and published modifications).

NM_031935.3(HMCN1):c.1480G>A (p.Glu494Lys)

Gene: HMCN1 (hemicentin 1; plus strand). Cytogenetic location: 1q31.1.
Variant type: single nucleotide variant.
Coding change: c.1480G>A on transcript NM_031935.3 (MANE Select); coding-DNA position 1480, G replaced by A.
Protein change: p.Glu494Lys; replaces glutamic acid 494 with lysine.
Molecular consequence: missense variant.
Genome position (GRCh38, 1-based): chr1:185,928,595, G>A. VCF-style: chr1-185928595-G-A. GRCh37 (hg19) VCF-style: chr1-185897727-G-A.
Other names: short protein forms E494K.
Identifiers: ClinVar variation 294109 (VCV000294109.15), dbSNP rs139490011, ClinGen allele CA1291123.